The following is an entry in ClinVar:

NM_000310.4(PPT1):c.908C>T (p.Pro303Leu)

Gene: PPT1 (palmitoyl-protein thioesterase 1; minus strand). Cytogenetic location: 1p34.2.
Variant type: single nucleotide variant.
Coding change: c.908C>T on transcript NM_000310.4 (MANE Select); coding-DNA position 908, C replaced by T.
Protein change: p.Pro303Leu; replaces proline 303 with leucine.
Molecular consequence: missense variant.
Genome position (GRCh38, 1-based): chr1:40,074,074, G>A on the plus strand (C>T on the coding strand, the complement: PPT1 is on the minus strand). VCF-style: chr1-40074074-G-A. GRCh37 (hg19) VCF-style: chr1-40539746-G-A.
Other names: c.599C>T, p.Pro200Leu (NM_001142604.2); c.836C>T, p.Pro279Leu (NM_001363695.2); short protein forms P200L, P279L, P303L.
Identifiers: ClinVar variation 836128 (VCV000836128.4), dbSNP rs1270614783, ClinGen allele CA339845319.

ClinVar aggregate classification (germline): Uncertain significance. Review status: criteria provided, single submitter (1 of 4 stars). 2 submissions from 2 submitters: Uncertain significance (1). 1 of the submissions does not count toward it. Last evaluated 2022-09-06.

Conditions:
Neuronal ceroid lipofuscinosis 1 (CLN1). Also called: PPT1-Related Neuronal Ceroid-Lipofuscinosis; CEROID LIPOFUSCINOSIS, NEURONAL, 1, VARIABLE AGE AT ONSET. Identifiers: Orphanet 228329, MedGen C1850451, MONDO:0009744, OMIM 256730.

Allele frequency attached by ClinVar (database versions not stated): gnomAD exomes below 0.00001; gnomAD 0.00001; TOPMed 0.00001.
gnomAD v4.1: 4 of 1,614,004 alleles (0.00025%); highest among the groups gnomAD compares: Admixed American, 0.0067%; no homozygotes.

Submissions (2):

Labcorp Genetics (formerly Invitae), Labcorp
Classification: Uncertain significance for Neuronal ceroid lipofuscinosis 1. Last evaluated: 2022-09-06. Review status: criteria provided, single submitter. Criteria: Invitae Variant Classification Sherloc (09022015). Collection method: clinical testing. Allele origin: germline.
Comment: This sequence change replaces proline, which is neutral and non-polar, with leucine, which is neutral and non-polar, at codon 303 of the PPT1 protein (p.Pro303Leu). This variant is present in population databases (no rsID available, gnomAD 0.003%). This variant has not been reported in the literature in individuals affected with PPT1-related conditions. ClinVar contains an entry for this variant (Variation ID: 836128). Advanced modeling of protein sequence and biophysical properties (such as structural, functional, and spatial information, amino acid conservation, physicochemical variation, residue mobility, and thermodynamic stability) performed at Invitae indicates that this missense variant is expected to disrupt PPT1 protein function. In summary, the available evidence is currently insufficient to determine the role of this variant in disease. Therefore, it has been classified as a Variant of Uncertain Significance.

Natera, Inc.
Classification: Uncertain significance for Neuronal ceroid lipofuscinosis 1. Last evaluated: 2020-09-16. Review status: no assertion criteria provided. Collection method: clinical testing. Allele origin: germline. Not counted in ClinVar's aggregate classification.